The following is an entry in ClinVar:

NM_024741.3(ZNF408):c.1471A>G (p.Thr491Ala)

Gene: ZNF408 (zinc finger protein 408; plus strand). Cytogenetic location: 11p11.2.
Variant type: single nucleotide variant.
Coding change: c.1471A>G on transcript NM_024741.3 (MANE Select); coding-DNA position 1471, A replaced by G.
Protein change: p.Thr491Ala; replaces threonine 491 with alanine.
Molecular consequence: missense variant.
Genome position (GRCh38, 1-based): chr11:46,705,171, A>G. VCF-style: chr11-46705171-A-G. GRCh37 (hg19) VCF-style: chr11-46726721-A-G.
Other names: c.1447A>G, p.Thr483Ala (NM_001184751.2); short protein forms T491A, T483A.
Identifiers: ClinVar variation 453180 (VCV000453180.2), dbSNP rs1555155069, ClinGen allele CA380256176.

ClinVar aggregate classification (germline): Uncertain significance (1 of 4 stars; one submission).

Submission:

GeneDx
Classification: Uncertain significance. Last evaluated: 2017-11-02. Review status: criteria provided, single submitter. Criteria: GeneDx Variant Classification (06012015). Collection method: clinical testing. Allele origin: germline. Affected: yes.
Comment: The T491A variant in the ZNF408 gene has not been reported previously as a pathogenic variant, nor as a benign variant, to our knowledge. The T491A variant is not observed in large population cohorts (Lek et al., 2016). The T491A variant is a non-conservative amino acid substitution, which is likely to impact secondary protein structure as these residues differ in polarity, charge, size and/or other properties. This substitution occurs at a position that is conserved in mammals. In silico analysis predicts this variant is probably damaging to the protein structure/function. We interpret T491A as a variant of uncertain significance,